The following is an entry in ClinVar:

NM_013391.3(DMGDH):c.1467C>T (p.Gly489=)

Gene: DMGDH (dimethylglycine dehydrogenase; minus strand). Cytogenetic location: 5q14.1.
Variant type: single nucleotide variant.
Coding change: c.1467C>T on transcript NM_013391.3 (MANE Select); coding-DNA position 1467, C replaced by T.
Protein change: p.Gly489=; no amino-acid change (glycine 489 retained).
Molecular consequence: synonymous variant. On other transcripts: non-coding transcript variant (2).
Genome position (GRCh38, 1-based): chr5:79,032,737, G>A on the plus strand (C>T on the coding strand, the complement: DMGDH is on the minus strand). VCF-style: chr5-79032737-G-A. GRCh37 (hg19) VCF-style: chr5-78328560-G-A.
Other names: p.Gly489=.
Identifiers: ClinVar variation 380063 (VCV000380063.3), dbSNP rs1805072, ClinGen allele CA3318721.

ClinVar aggregate classification (germline): Benign. Review status: criteria provided, multiple submitters, no conflicts (2 of 4 stars). 3 submissions from 3 submitters: Benign (3). Last evaluated 2021-04-07.

Allele frequency attached by ClinVar (database versions not stated): 1000 Genomes Project 0.19868; gnomAD exomes 0.18463 and 0.18444; gnomAD 0.19724 and 0.19744; ESP Exome Variant Server 0.20191; ExAC 0.18876; TOPMed 0.19383; 1000 Genomes Project 30x 0.19425.
gnomAD v4.1: 299,909 of 1,613,914 alleles (19%); highest among the groups gnomAD compares: South Asian, 25%; 29,025 homozygotes.

Submissions (3):

Mayo Clinic Laboratories, Mayo Clinic
Classification: Benign. Last evaluated: 2021-04-07. Review status: criteria provided, single submitter. Criteria: ACMG Guidelines, 2015. Collection method: clinical testing. Allele origin: germline. Observed: 5 variant alleles.

GeneDx
Classification: Benign. Last evaluated: 2015-12-02. Review status: criteria provided, single submitter. Criteria: GeneDx Variant Classification (06012015). Collection method: clinical testing. Allele origin: germline. Affected: yes.
Comment: This variant is considered likely benign or benign based on one or more of the following criteria: it is a conservative change, it occurs at a poorly conserved position in the protein, it is predicted to be benign by multiple in silico algorithms, and/or has population frequency not consistent with disease.

Breakthrough Genomics
Classification: Benign. Review status: criteria provided, single submitter. Criteria: ACMG Guidelines, 2015. Collection method: not provided. Allele origin: germline. Inheritance: Autosomal recessive inheritance. Affected: yes.